The following is an entry in ClinVar:

NM_001429.4(EP300):c.5874G>T (p.Pro1958=)

Gene: EP300 (EP300 lysine acetyltransferase; plus strand). Cytogenetic location: 22q13.2.
Variant type: single nucleotide variant.
Coding change: c.5874G>T on transcript NM_001429.4 (MANE Select); coding-DNA position 5874, G replaced by T.
Protein change: p.Pro1958=; no amino-acid change (proline 1958 retained).
Molecular consequence: synonymous variant.
Genome position (GRCh38, 1-based): chr22:41,177,585, G>T. VCF-style: chr22-41177585-G-T. GRCh37 (hg19) VCF-style: chr22-41573589-G-T.
Other names: c.5874G>T (NM_001429.3); c.5796G>T, p.Pro1932= (NM_001362843.2).
Identifiers: ClinVar variation 2721318 (VCV002721318.6), dbSNP rs755466610, ClinGen allele CA10253724.

ClinVar aggregate classification (germline): Benign/Likely benign. Review status: criteria provided, multiple submitters, no conflicts (2 of 4 stars). 3 submissions from 3 submitters: Benign (1); Likely benign (1). 1 of the submissions does not count toward it. Last evaluated 2025-02-10.

Conditions:
Rubinstein-Taybi syndrome due to EP300 haploinsufficiency. Also called: EP300-Related Rubinstein-Taybi Syndrome; RUBINSTEIN-TAYBI SYNDROME 2. Identifiers: Orphanet 353284, Orphanet 783, MedGen C3150941, MONDO:0013364, OMIM 613684.
EP300-related disorder. Also called: EP300-related disorders; EP300-related condition.

Allele frequency attached by ClinVar (database versions not stated): gnomAD 0.00001.
gnomAD v4.1: 13 of 1,614,004 alleles (0.00081%); highest among the groups gnomAD compares: East Asian, 0.025%; no homozygotes.

Submissions (3):

Labcorp Genetics (formerly Invitae), Labcorp
Classification: Benign for Rubinstein-Taybi syndrome due to EP300 haploinsufficiency. Last evaluated: 2025-02-10. Review status: criteria provided, single submitter. Criteria: Invitae Variant Classification Sherloc (09022015). Collection method: clinical testing. Allele origin: germline.

Blueprint Genetics
Classification: Likely benign. Last evaluated: 2024-05-08. Review status: criteria provided, single submitter. Criteria: ACMG Guidelines, 2015. Collection method: clinical testing. Allele origin: germline.

PreventionGenetics, part of Exact Sciences
Classification: Likely benign for EP300-related condition. Last evaluated: 2024-01-24. Review status: no assertion criteria provided. Collection method: clinical testing. Allele origin: germline. Not counted in ClinVar's aggregate classification.
Comment: This variant is classified as likely benign based on ACMG/AMP sequence variant interpretation guidelines (Richards et al. 2015 PMID: 25741868, with internal and published modifications).